The following is an entry in ClinVar:

ClinVar aggregate classification (germline): Likely benign (1 of 4 stars; one submission).

gnomAD v4.1: 16 of 1,613,212 alleles (0.00099%); highest among the groups gnomAD compares: Non-Finnish European, 0.0014%; no homozygotes.

Submission:

CeGaT Center for Human Genetics Tuebingen
Classification: Likely benign. Last evaluated: 2025-09-01. Review status: criteria provided, single submitter. Criteria: CeGaT Center For Human Genetics Tuebingen Variant Classification Criteria Version 2. Collection method: clinical testing. Allele origin: germline. Affected: yes. Observed: 1 variant allele.
Comment: DYNC2LI1: BP4, BP7

NM_016008.4(DYNC2LI1):c.603A>G (p.Val201=)

Gene: DYNC2LI1 (dynein cytoplasmic 2 light intermediate chain 1; plus strand). Cytogenetic location: 2p21.
Variant type: single nucleotide variant.
Coding change: c.603A>G on transcript NM_016008.4 (MANE Select); coding-DNA position 603, A replaced by G.
Protein change: p.Val201=; no amino-acid change (valine 201 retained).
Molecular consequence: synonymous variant.
Genome position (GRCh38, 1-based): chr2:43,796,744, A>G. VCF-style: chr2-43796744-A-G. GRCh37 (hg19) VCF-style: chr2-44023883-A-G.
Other names: c.606A>G, p.Val202= (NM_001193464.2, NM_001348913.2); c.603A>G, p.Val201= (NM_001348912.2).
Identifiers: ClinVar variation 4281132 (VCV004281132.7).
Genomic context (GRCh38, chr2:43,796,744, plus strand): 5'-TATCTTGACTTTTTAAAATAACATATTTCTACAGGATTTTGAGTCTGAGAAGAGAAAGGT[A>G]ATATGCAAGACACTTCGATTTGTTGCACATTATTATGGAGCATCATTAATGGTTTGTACA-3'
Protein context (NP_057092.2, residues 191-211): FQDFESEKRK[Val201=]ICKTLRFVAH